The following is an entry in ClinVar:

ClinVar aggregate classification (germline): Conflicting classifications of pathogenicity. Review status: criteria provided, conflicting classifications (1 of 4 stars). 3 submissions from 3 submitters: Uncertain significance (2); Likely benign (1). Last evaluated 2026-02-02.

Conditions:
Tuberous sclerosis 2 (TSC2). Identifiers: Orphanet 805, MedGen C1860707, MONDO:0013199, OMIM 613254.
Tuberous sclerosis syndrome (TSC). Also called: Tuberous sclerosis; Tuberous Sclerosis Complex. Identifiers: Orphanet 805, MedGen C0041341, MONDO:0001734.

gnomAD v4.1: 26 of 1,612,730 alleles (0.0016%); highest among the groups gnomAD compares: Non-Finnish European, 0.0019%; no homozygotes.

Submissions (3):

Labcorp Genetics (formerly Invitae), Labcorp
Classification: Likely benign for Tuberous sclerosis 2. Last evaluated: 2026-02-02. Review status: criteria provided, single submitter. Criteria: Invitae Variant Classification Sherloc (09022015). Collection method: clinical testing. Allele origin: germline.

All of Us Research Program, National Institutes of Health
Classification: Uncertain significance for Tuberous sclerosis syndrome. Last evaluated: 2023-08-08. Review status: criteria provided, single submitter. Criteria: ACMG Guidelines, 2015. Collection method: clinical testing. Allele origin: germline. Inheritance: Autosomal dominant inheritance. Observed: 2 variant alleles, 2 heterozygotes.
Comment: This variant causes a C to G nucleotide substitution at the -11 position of intron 30 of the TSC2 gene. Splice site prediction tools suggest that this variant may not impact RNA splicing. To our knowledge, functional studies have not been reported for this variant. This variant has not been reported in individuals affected with TSC2-related disorders in the literature. This variant has been identified in 1/249462 chromosomes in the general population by the Genome Aggregation Database (gnomAD). The available evidence is insufficient to determine the role of this variant in disease conclusively. Therefore, this variant is classified as a Variant of Uncertain Significance.

This study involves interpretation of variants in research participants for the purpose of population health screening. Participant phenotype was not available at the time of variant classification. Additional details can be found in publication PMID: 35346344, PMCID: PMC8962531

GeneDx
Classification: Uncertain significance. Last evaluated: 2020-08-17. Review status: criteria provided, single submitter. Criteria: GeneDx Variant Classification Process June 2021. Collection method: clinical testing. Allele origin: germline. Affected: yes.
Comment: In-silico analysis, which includes splice predictors and evolutionary conservation, is inconclusive as to whether the variant alters gene splicing. In the absence of RNA/functional studies, the actual effect of this sequence change is unknown.; Has not been previously published as pathogenic or benign to our knowledge; Also known as TSC2 IVS29-11C>G

NM_000548.5(TSC2):c.3611-11C>G

Gene: TSC2 (TSC complex subunit 2; plus strand). Cytogenetic location: 16p13.3.
Variant type: single nucleotide variant.
Coding change: c.3611-11C>G on transcript NM_000548.5 (MANE Select); 11 bases into the intron before coding-DNA position 3611, C replaced by G.
Molecular consequence: intron variant.
Genome position (GRCh38, 1-based): chr16:2,081,584, C>G. VCF-style: chr16-2081584-C-G. GRCh37 (hg19) VCF-style: chr16-2131585-C-G.
Other names: c.3611-11C>G (NM_001114382.3); c.3482-11C>G (NM_021055.3, NM_001370405.1, NM_001363528.2); c.3479-11C>G (NM_001370404.1, NM_001077183.3); c.3371-11C>G (NM_001318827.2); c.2879-11C>G (NM_001318831.2); c.3335-11C>G (NM_001318829.2); c.3512-11C>G (NM_001318832.2).
Identifiers: ClinVar variation 1313166 (VCV001313166.7), dbSNP rs375617364, ClinGen allele CA047730.